The following is an entry in ClinVar:

ClinVar aggregate classification (germline): Likely benign. Review status: criteria provided, multiple submitters, no conflicts (2 of 4 stars). 2 submissions from 2 submitters: Likely benign (2). Last evaluated 2026-09-02.

Conditions:
PRDM13-related disorder. Also called: PRDM13-related condition.

Allele frequency attached by ClinVar (database versions not stated): gnomAD 0.00001.
gnomAD v4.1: 8 of 1,613,650 alleles (0.0005%); highest among the groups gnomAD compares: Admixed American, 0.01%; no homozygotes.

Submissions (2):

PreventionGenetics, part of Exact Sciences
Classification: Likely benign for PRDM13-related condition. Last evaluated: 2026-09-02. Review status: criteria provided, single submitter. Criteria: ACMG Guidelines, 2015. Collection method: clinical testing. Allele origin: germline.
Comment: This variant is classified as likely benign based on ACMG/AMP sequence variant interpretation guidelines (Richards et al. 2015 PMID: 25741868, with internal and published modifications).

Labcorp Genetics (formerly Invitae), Labcorp
Classification: Likely benign. Last evaluated: 2025-01-06. Review status: criteria provided, single submitter. Criteria: Invitae Variant Classification Sherloc (09022015). Collection method: clinical testing. Allele origin: germline.

NM_021620.4(PRDM13):c.72C>G (p.Leu24=)

Gene: PRDM13 (PR/SET domain 13; plus strand). Cytogenetic location: 6q16.2.
Variant type: single nucleotide variant.
Coding change: c.72C>G on transcript NM_021620.4 (MANE Select); coding-DNA position 72, C replaced by G.
Protein change: p.Leu24=; no amino-acid change (leucine 24 retained).
Molecular consequence: synonymous variant.
Genome position (GRCh38, 1-based): chr6:99,607,106, C>G. VCF-style: chr6-99607106-C-G. GRCh37 (hg19) VCF-style: chr6-100054982-C-G.
Other names: c.72C>G (NM_021620.3).
Identifiers: ClinVar variation 1570383 (VCV001570383.9), dbSNP rs771527285, ClinGen allele CA143971381.
Genomic context (GRCh38, chr6:99,607,106, plus strand): 5'-CGCCAGAGCGCCAGCCACCAGCGTGAGTGCCGACTGCTGCATCCCGGCCGGCTTGCGCCT[C>G]GGACCGGTGCCTGGTACCTTCAAGCTGGGCAAGTACCTGTCAGACCGCAGGGAGCCCGGG-3'
Protein context (NP_067633.2, residues 14-34): ADCCIPAGLR[Leu24=]GPVPGTFKLG